The following is an entry in ClinVar:

NM_001370658.1(BTD):c.805G>C (p.Ala269Pro)

Gene: BTD (biotinidase; plus strand). Cytogenetic location: 3p25.1.
Variant type: single nucleotide variant.
Coding change: c.805G>C on transcript NM_001370658.1 (MANE Select); coding-DNA position 805, G replaced by C.
Protein change: p.Ala269Pro; replaces alanine 269 with proline.
Molecular consequence: missense variant. On other transcripts: intron variant (1).
Genome position (GRCh38, 1-based): chr3:15,644,721, G>C. VCF-style: chr3-15644721-G-C. GRCh37 (hg19) VCF-style: chr3-15686228-G-C.
Other names: A289P; c.805G>C, p.Ala269Pro (NM_001407376.1, NM_001407377.1, NM_001407378.1 and 18 more transcripts); c.399+2664G>C (NM_001370753.1); c.865G>C, p.Ala289Pro (NM_000060.4); short protein forms A269P.
Identifiers: ClinVar variation 1459410 (VCV001459410.6), dbSNP rs397514334, ClinGen allele CA081769.
Genomic context (GRCh38, chr3:15,644,721, plus strand): 5'-CCAACTGCCTGGATGAACCAGCTCCCACTCTTGGCAGCAATTGAGATTCAGAAAGCTTTT[G>C]CTGTTGCCTTTGGCATCAACGTTCTGGCAGCTAATGTCCACCACCCAGTTCTGGGGATGA-3'
Protein context (NP_001357587.1, residues 259-279): LAAIEIQKAF[Ala269Pro]VAFGINVLAA

ClinVar aggregate classification (germline): Pathogenic (1 of 4 stars; one submission).

Conditions:
Biotinidase deficiency. Also called: BTD deficiency; Late-onset biotin-responsive multiple carboxylase deficiency; Biotin deficiency. Identifiers: Orphanet 79241, MedGen C0220754, MONDO:0009665, OMIM 253260.

Submission:

Labcorp Genetics (formerly Invitae), Labcorp
Classification: Pathogenic for Biotinidase deficiency. Last evaluated: 2025-10-13. Review status: criteria provided, single submitter. Criteria: Invitae Variant Classification Sherloc (09022015). Collection method: clinical testing. Allele origin: germline.
Comment: This sequence change replaces alanine, which is neutral and non-polar, with proline, which is neutral and non-polar, at codon 289 of the BTD protein (p.Ala289Pro). This variant is not present in population databases (gnomAD no frequency). This missense change has been observed in individual(s) with biotinidase deficiency (PMID: 10400129, 26810761, 27657684; internal data). In at least one individual the data is consistent with being in trans (on the opposite chromosome) from a pathogenic variant. ClinVar contains an entry for this variant (Variation ID: 1459410). Invitae Evidence Modeling of protein sequence and biophysical properties (such as structural, functional, and spatial information, amino acid conservation, physicochemical variation, residue mobility, and thermodynamic stability) indicates that this missense variant is expected to disrupt BTD protein function with a positive predictive value of 95%. For these reasons, this variant has been classified as Pathogenic.

Literature cited by the submitters: PubMed 10400129; PubMed 26810761; PubMed 27657684.